The following is an entry in ClinVar:

NM_002907.4(RECQL):c.533T>A (p.Val178Glu)

Gene: RECQL (RecQ like helicase; minus strand). Cytogenetic location: 12p12.1.
Variant type: single nucleotide variant.
Coding change: c.533T>A on transcript NM_002907.4 (MANE Select); coding-DNA position 533, T replaced by A.
Protein change: p.Val178Glu; replaces valine 178 with glutamic acid.
Molecular consequence: missense variant.
Genome position (GRCh38, 1-based): chr12:21,483,543, A>T on the plus strand (T>A on the coding strand, the complement: RECQL is on the minus strand). VCF-style: chr12-21483543-A-T. GRCh37 (hg19) VCF-style: chr12-21636477-A-T.
Other names: c.533T>A, p.Val178Glu (NM_032941.3); short protein forms V178E.
Identifiers: ClinVar variation 1208977 (VCV001208977.16), dbSNP rs140457172, ClinGen allele CA6479040.
Genomic context (GRCh38, chr12:21,483,543, plus strand): 5'-TTGCTTTTTGCAATTTTCTCTGGAGTCACATAAATCAGCTTTAACTCGGAGTTTTTATTT[A>T]CCATTTCAGCATGAACCCATTTAACATGCTCCTATTAAAAGAAAAAAATAGACACAATGA-3'
Protein context (NP_002898.2, residues 168-188): EHVKWVHAEM[Val178Glu]NKNSELKLIY

ClinVar aggregate classification (germline): Uncertain significance. Review status: criteria provided, multiple submitters, no conflicts (2 of 4 stars). 4 submissions from 4 submitters: Uncertain significance (4). Last evaluated 2025-04-14.

Allele frequency attached by ClinVar (database versions not stated): gnomAD exomes 0.00002 and 0.00005; ExAC 0.00005; TOPMed 0.00017; gnomAD 0.00022 and 0.00024; ESP Exome Variant Server 0.00023.
gnomAD v4.1: 66 of 1,579,364 alleles (0.0042%); highest among the groups gnomAD compares: African/African-American, 0.091%; no homozygotes.

Submissions (4):

Quest Diagnostics Nichols Institute San Juan Capistrano
Classification: Uncertain significance. Last evaluated: 2025-04-14. Review status: criteria provided, single submitter. Criteria: Quest Diagnostics criteria. Collection method: clinical testing. Allele origin: unknown.
Comment: The RECQL c.533T>A (p.Val178Glu) variant has not been reported in individuals with RECQL-related conditions in the published literature. The frequency of this variant in the general population (Genome Aggregation Database) is higher than would generally be expected for pathogenic variants in this gene. Analysis of this variant using bioinformatics tools for the prediction of the effect of amino acid changes on protein structure and function yielded predictions that this variant is benign. Based on the available information, we are unable to determine the clinical significance of this variant.

GeneDx
Classification: Uncertain significance. Last evaluated: 2025-01-12. Review status: criteria provided, single submitter. Criteria: GeneDx Variant Classification Process June 2021. Collection method: clinical testing. Allele origin: germline. Affected: yes.
Comment: In silico analysis indicates that this missense variant does not alter protein structure/function; Has not been previously published as pathogenic or benign to our knowledge; Variants in candidate genes are classified as variants of uncertain significance in accordance with ACMG guidelines (PMID: 25741868); This variant is associated with the following publications: (PMID: 19151156, 27248010)

Labcorp Genetics (formerly Invitae), Labcorp
Classification: Uncertain significance. Last evaluated: 2023-12-30. Review status: criteria provided, single submitter. Criteria: Invitae Variant Classification Sherloc (09022015). Collection method: clinical testing. Allele origin: germline.
Comment: This sequence change replaces valine, which is neutral and non-polar, with glutamic acid, which is acidic and polar, at codon 178 of the RECQL protein (p.Val178Glu). The frequency data for this variant in the population databases is considered unreliable, as metrics indicate poor data quality at this position in the gnomAD database. This variant has not been reported in the literature in individuals affected with RECQL-related conditions. ClinVar contains an entry for this variant (Variation ID: 1208977). Advanced modeling of protein sequence and biophysical properties (such as structural, functional, and spatial information, amino acid conservation, physicochemical variation, residue mobility, and thermodynamic stability) performed at Invitae indicates that this missense variant is not expected to disrupt RECQL protein function with a negative predictive value of 80%. In summary, the available evidence is currently insufficient to determine the role of this variant in disease. Therefore, it has been classified as a Variant of Uncertain Significance.

Ambry Genetics
Classification: Uncertain significance. Last evaluated: 2021-08-17. Review status: criteria provided, single submitter. Criteria: Ambry Variant Classification Scheme 2023. Collection method: clinical testing. Allele origin: germline.